The following is an entry in ClinVar:

NM_017636.4(TRPM4):c.1265C>A (p.Ser422Tyr)

Gene: TRPM4 (transient receptor potential cation channel subfamily M member 4; plus strand). Cytogenetic location: 19q13.33.
Variant type: single nucleotide variant.
Coding change: c.1265C>A on transcript NM_017636.4 (MANE Select); coding-DNA position 1265, C replaced by A.
Protein change: p.Ser422Tyr; replaces serine 422 with tyrosine.
Molecular consequence: missense variant. On other transcripts: 5 prime UTR variant (1).
Genome position (GRCh38, 1-based): chr19:49,182,579, C>A. VCF-style: chr19-49182579-C-A. GRCh37 (hg19) VCF-style: chr19-49685836-C-A.
Other names: c.1265C>A, p.Ser422Tyr (NM_001195227.2); c.920C>A, p.Ser307Tyr (NM_001321281.2); c.-289C>A (NM_001321282.2); c.743C>A, p.Ser248Tyr (NM_001321283.2); c.203C>A, p.Ser68Tyr (NM_001321285.2); short protein forms S422Y, S307Y, S248Y, S68Y.
Identifiers: ClinVar variation 4699145 (VCV004699145.1).

ClinVar aggregate classification (germline): Uncertain significance (1 of 4 stars; one submission).

Conditions:
Progressive familial heart block type IB (PFHB1B). Identifiers: Orphanet 871, MedGen C1970298, MONDO:0011474, OMIM 604559.

gnomAD v4.1: 1 of 1,612,686 alleles (0.000062%); highest among the groups gnomAD compares: East Asian, 0.0022%; no homozygotes.

Submission:

Labcorp Genetics (formerly Invitae), Labcorp
Classification: Uncertain significance for Progressive familial heart block type IB. Last evaluated: 2025-10-31. Review status: criteria provided, single submitter. Criteria: Invitae Variant Classification Sherloc (09022015). Collection method: clinical testing. Allele origin: germline.
Comment: This sequence change replaces serine, which is neutral and polar, with tyrosine, which is neutral and polar, at codon 422 of the TRPM4 protein (p.Ser422Tyr). This variant is not present in population databases (gnomAD no frequency). This variant has not been reported in the literature in individuals affected with TRPM4-related conditions. An algorithm developed to predict the effect of missense changes on protein structure and function (PolyPhen-2) suggests that this variant is likely to be disruptive. In summary, the available evidence is currently insufficient to determine the role of this variant in disease. Therefore, it has been classified as a Variant of Uncertain Significance.